The following is an entry in ClinVar:

NM_000307.5(POU3F4):c.342G>A (p.Trp114Ter)

Gene: POU3F4 (POU class 3 homeobox 4; plus strand). Cytogenetic location: Xq21.1.
Variant type: single nucleotide variant.
Coding change: c.342G>A on transcript NM_000307.5 (MANE Select); coding-DNA position 342, G replaced by A.
Protein change: p.Trp114Ter; replaces tryptophan 114 with a stop codon.
Molecular consequence: nonsense.
Genome position (GRCh38, 1-based): chrX:83,508,666, G>A. VCF-style: chrX-83508666-G-A. GRCh37 (hg19) VCF-style: chrX-82763674-G-A.
Other names: short protein forms W114*.
Identifiers: ClinVar variation 3601654 (VCV003601654.1).
Genomic context (GRCh38, chrX:83,508,666, plus strand): 5'-CCATCACCGCTCGCCACACGTAGCCCACCACTCACCGCACACTAACCACCCCAACGCCTG[G>A]GGGGCCAGCCCGGCACCGAACCCGTCTATCACGTCAAGCGGCCAACCCCTCAACGTGTAC-3'

ClinVar aggregate classification (germline): Pathogenic (1 of 4 stars; one submission).

Conditions:
X-linked mixed hearing loss with perilymphatic gusher. Also called: Deafness, X-linked 2; NANCE DEAFNESS; PERILYMPHATIC GUSHER-DEAFNESS SYNDROME; SENSORINEURAL DEAFNESS, PROFOUND, WITH OR WITHOUT A CONDUCTIVE COMPONENT, ASSOCIATED WITH A UNIQUE DEVELOPMENTAL ABNORMALITY OF THE EAR; Gusher syndrome. Identifiers: Orphanet 383, MedGen C1844678, MONDO:0010576, OMIM 304400.

Submission:

Institute of Rare Diseases, West China Hospital, Sichuan University
Classification: Pathogenic for X-linked mixed hearing loss with perilymphatic gusher. Last evaluated: 2025-01-09. Review status: criteria provided, single submitter. Criteria: ClinGen HL ACMG Specifications v1. Collection method: research. Allele origin: germline. Affected: yes.
Comment: PVS1;PM3;PP1;PM2_Supporting;PS1